The following is an entry in ClinVar:

ClinVar aggregate classification (germline): Uncertain significance. Review status: criteria provided, multiple submitters, no conflicts (2 of 4 stars). 2 submissions from 2 submitters: Uncertain significance (2). Last evaluated 2024-11-27.

Conditions:
Gorlin syndrome. Also called: Nevoid Basal Cell Carcinoma Syndrome; Basal cell nevus syndrome. Identifiers: Orphanet 377, MedGen C0004779, MONDO:0007187.
Basal cell carcinoma, susceptibility to, 1. Also called: BCC1. Identifiers: MedGen C2751544, MONDO:0011556, OMIM 605462.
Medulloblastoma (MDB). Also called: MEDULLOBLASTOMA PREDISPOSITION SYNDROME; Medulloblastoma, somatic. Identifiers: Orphanet 616, MedGen C0025149, MeSH D008527, MONDO:0007959, OMIM 155255, HP:0002885.

Allele frequency attached by ClinVar (database versions not stated): TOPMed 0.00002; gnomAD 0.00005 and 0.00006.
gnomAD v4.1: 31 of 1,614,204 alleles (0.0019%); highest among the groups gnomAD compares: Admixed American, 0.018%; no homozygotes.

Submissions (2):

Labcorp Genetics (formerly Invitae), Labcorp
Classification: Uncertain significance for Gorlin syndrome. Last evaluated: 2024-11-27. Review status: criteria provided, single submitter. Criteria: Invitae Variant Classification Sherloc (09022015). Collection method: clinical testing. Allele origin: germline.
Comment: This sequence change replaces aspartic acid, which is acidic and polar, with asparagine, which is neutral and polar, at codon 1064 of the PTCH2 protein (p.Asp1064Asn). This variant is present in population databases (rs758108389, gnomAD 0.02%). This variant has not been reported in the literature in individuals affected with PTCH2-related conditions. ClinVar contains an entry for this variant (Variation ID: 658201). Invitae Evidence Modeling of protein sequence and biophysical properties (such as structural, functional, and spatial information, amino acid conservation, physicochemical variation, residue mobility, and thermodynamic stability) indicates that this missense variant is not expected to disrupt PTCH2 protein function with a negative predictive value of 80%. In summary, the available evidence is currently insufficient to determine the role of this variant in disease. Therefore, it has been classified as a Variant of Uncertain Significance.

Fulgent Genetics
Classification: Uncertain significance for Medulloblastoma; Basal cell carcinoma, susceptibility to, 1. Last evaluated: 2024-02-06. Review status: criteria provided, single submitter. Criteria: ACMG Guidelines, 2015. Collection method: clinical testing. Allele origin: germline.

NM_003738.5(PTCH2):c.3190G>A (p.Asp1064Asn)

Gene: PTCH2 (patched 2; minus strand). Cytogenetic location: 1p34.1.
Variant type: single nucleotide variant.
Coding change: c.3190G>A on transcript NM_003738.5 (MANE Select); coding-DNA position 3190, G replaced by A.
Protein change: p.Asp1064Asn; replaces aspartic acid 1064 with asparagine.
Molecular consequence: missense variant.
Genome position (GRCh38, 1-based): chr1:44,823,310, C>T on the plus strand (G>A on the coding strand, the complement: PTCH2 is on the minus strand). VCF-style: chr1-44823310-C-T. GRCh37 (hg19) VCF-style: chr1-45288982-C-T.
Other names: c.3190G>A, p.Asp1064Asn (NM_001166292.2); short protein forms D1064N.
Identifiers: ClinVar variation 658201 (VCV000658201.12), dbSNP rs758108389, ClinGen allele CA822771.